The following is an entry in ClinVar:

ClinVar aggregate classification (germline): Uncertain significance (1 of 4 stars; one submission).

Submission:

GeneDx
Classification: Uncertain significance. Last evaluated: 2025-05-12. Review status: criteria provided, single submitter. Criteria: GeneDx Variant Classification Process June 2021. Collection method: clinical testing. Allele origin: germline. Affected: yes.
Comment: Not observed at significant frequency in large population cohorts (gnomAD); In silico analysis supports that this missense variant has a deleterious effect on protein structure/function; Has not been previously published as pathogenic or benign to our knowledge

NM_022455.5(NSD1):c.5940A>C (p.Glu1980Asp)

Gene: NSD1 (nuclear receptor binding SET domain protein 1; plus strand). Cytogenetic location: 5q35.3.
Variant type: single nucleotide variant.
Coding change: c.5940A>C on transcript NM_022455.5 (MANE Select); coding-DNA position 5940, A replaced by C.
Protein change: p.Glu1980Asp; replaces glutamic acid 1980 with aspartic acid.
Molecular consequence: missense variant.
Genome position (GRCh38, 1-based): chr5:177,282,512, A>C. VCF-style: chr5-177282512-A-C. GRCh37 (hg19) VCF-style: chr5-176709513-A-C.
Other names: c.5067A>C, p.Glu1689Asp (NM_001365684.2, NM_001409308.1, NM_001409309.1 and 1 more transcripts); c.5940A>C, p.Glu1980Asp (NM_001409301.1, NM_001409302.1, NM_001409303.1); c.5520A>C, p.Glu1840Asp (NM_001409304.1); c.5187A>C, p.Glu1729Asp (NM_001409305.1); c.5178A>C, p.Glu1726Asp (NM_001409306.1, NM_001409307.1); short protein forms E1689D, E1726D, E1729D, E1840D, E1980D.
Identifiers: ClinVar variation 4529913 (VCV004529913.1).
Genomic context (GRCh38, chr5:177,282,512, plus strand): 5'-TTTCTTGTTCTAGGGTGAATTTGTGAATGAGTATGTGGGTGAGCTTATAGATGAAGAAGA[A>C]TGCAGAGCTCGAATTCGCTATGCTCAAGAACATGATATCACTAATTTCTATATGCTCACC-3'
Protein context (NP_071900.2, residues 1970-1990): EYVGELIDEE[Glu1980Asp]CRARIRYAQE